The following is an entry in ClinVar:

NM_002471.4(MYH6):c.269T>C (p.Met90Thr)

Genes: MYH6 (myosin heavy chain 6; minus strand), LOC114827851 (VISTA enhancer hs2155; plus strand). Cytogenetic location: 14q11.2.
Variant type: single nucleotide variant.
Coding change: c.269T>C on transcript NM_002471.4 (MANE Select); coding-DNA position 269, T replaced by C.
Protein change: p.Met90Thr; replaces methionine 90 with threonine.
Molecular consequence: missense variant.
Genome position (GRCh38, 1-based): chr14:23,405,703, A>G on the plus strand (T>C on the coding strand, the complement: MYH6 is on the minus strand). VCF-style: chr14-23405703-A-G. GRCh37 (hg19) VCF-style: chr14-23874912-A-G.
Other names: short protein forms M90T.
Identifiers: ClinVar variation 470517 (VCV000470517.11), dbSNP rs919307122, ClinGen allele CA257799198.
Genomic context (GRCh38, chr14:23,405,703, plus strand): 5'-GCGTAGCGCTCCTTGAGGTTGAAAAGCACCGCGGGCTCGTGCAGGAAGGTCAGCATGGCC[A>G]TGTCCTCAATCTTGTCGAACTTGGGTGGGTTCTGCTGCAACACCTGGTCCTCCTTCACAG-3'
Protein context (NP_002462.2, residues 80-100): NPPKFDKIED[Met90Thr]AMLTFLHEPA

ClinVar aggregate classification (germline): Uncertain significance. Review status: criteria provided, multiple submitters, no conflicts (2 of 4 stars). 3 submissions from 3 submitters: Uncertain significance (3). Last evaluated 2025-05-24.

Conditions:
Cardiovascular phenotype. Identifiers: MedGen CN230736.
Hypertrophic cardiomyopathy 14. Identifiers: MedGen C2750467, MONDO:0013197, OMIM 613251.

Allele frequency attached by ClinVar (database versions not stated): gnomAD 0.00001; gnomAD exomes 0.00001; TOPMed 0.00001.
gnomAD v4.1: 7 of 1,614,046 alleles (0.00043%); highest among the groups gnomAD compares: Non-Finnish European, 0.00059%; no homozygotes.

Submissions (3):

Ambry Genetics
Classification: Uncertain significance for Cardiovascular phenotype. Last evaluated: 2025-05-24. Review status: criteria provided, single submitter. Criteria: Ambry Variant Classification Scheme 2023. Collection method: clinical testing. Allele origin: germline.
Comment: The p.M90T variant (also known as c.269T>C), located in coding exon 2 of the MYH6 gene, results from a T to C substitution at nucleotide position 269. The methionine at codon 90 is replaced by threonine, an amino acid with similar properties. This amino acid position is conserved. In addition, this alteration is predicted to be deleterious by in silico analysis. Based on the available evidence, the clinical significance of this variant remains unclear.

GeneDx
Classification: Uncertain significance. Last evaluated: 2023-02-03. Review status: criteria provided, single submitter. Criteria: GeneDx Variant Classification Process June 2021. Collection method: clinical testing. Allele origin: germline. Affected: yes.
Comment: Identified in a patient with atrial septal defect (ASD) in published literature (Kaymakcalan et al., 2022); this variant was also identified in this patient's father who also had an ASD; Not observed at significant frequency in large population cohorts (gnomAD); In silico analysis supports that this missense variant has a deleterious effect on protein structure/function; This variant is associated with the following publications: (PMID: Kaymakcalan2022[Case report])

Labcorp Genetics (formerly Invitae), Labcorp
Classification: Uncertain significance for Hypertrophic cardiomyopathy 14. Last evaluated: 2022-09-13. Review status: criteria provided, single submitter. Criteria: Invitae Variant Classification Sherloc (09022015). Collection method: clinical testing. Allele origin: germline.
Comment: ClinVar contains an entry for this variant (Variation ID: 470517). In summary, the available evidence is currently insufficient to determine the role of this variant in disease. Therefore, it has been classified as a Variant of Uncertain Significance. Advanced modeling of protein sequence and biophysical properties (such as structural, functional, and spatial information, amino acid conservation, physicochemical variation, residue mobility, and thermodynamic stability) performed at Invitae indicates that this missense variant is expected to disrupt MYH6 protein function. This variant has not been reported in the literature in individuals affected with MYH6-related conditions. This variant is present in population databases (no rsID available, gnomAD 0.002%). This sequence change replaces methionine, which is neutral and non-polar, with threonine, which is neutral and polar, at codon 90 of the MYH6 protein (p.Met90Thr).